The following is an entry in ClinVar:

NM_000053.4(ATP7B):c.2307G>T (p.Met769Ile)

Gene: ATP7B (ATPase copper transporting beta; minus strand). Cytogenetic location: 13q14.3.
Variant type: single nucleotide variant.
Coding change: c.2307G>T on transcript NM_000053.4 (MANE Select); coding-DNA position 2307, G replaced by T.
Protein change: p.Met769Ile; replaces methionine 769 with isoleucine.
Molecular consequence: missense variant. On other transcripts: intron variant (14).
Genome position (GRCh38, 1-based): chr13:51,958,359, C>A on the plus strand (G>T on the coding strand, the complement: ATP7B is on the minus strand). VCF-style: chr13-51958359-C-A. GRCh37 (hg19) VCF-style: chr13-52532495-C-A.
Other names: c.1974G>T, p.Met658Ile (NM_001243182.2); c.2055G>T, p.Met685Ile (NM_001330579.2, NM_001406531.1, NM_001406532.1 and 1 more transcripts); c.2307G>T, p.Met769Ile (NM_001406511.1, NM_001406512.1, NM_001406513.1 and 7 more transcripts); c.2274G>T, p.Met758Ile (NM_001406514.1); c.2211G>T, p.Met737Ile (NM_001406517.1, NM_001406518.1); c.2163G>T, p.Met721Ile (NM_001406520.1, NM_001406521.1, NM_001406522.1 and 1 more transcripts); c.2130G>T, p.Met710Ile (NM_001406524.1); c.2067G>T, p.Met689Ile (NM_001406530.1); and 8 more; short protein forms M626I, M653I, M658I, M685I, M689I, M710I, M721I, M737I.
Identifiers: ClinVar variation 2679816 (VCV002679816.3), dbSNP rs2547714865, ClinGen allele CA388021743.
Genomic context (GRCh38, chr13:51,958,359, plus strand): 5'-AGCTGCTGTTACCTTTGCCAAGTGTTCCAGCCACCGGCCCAGGGCAATGAACACAAAGAG[C>A]ATGGGGGGCGTGTCGAAGAATGTCACAGGGCTCCTCTCCGCCTTCTCAGCCACAGCAACC-3'
Protein context (NP_000044.2, residues 759-779): SPVTFFDTPP[Met769Ile]LFVFIALGRW

ClinVar aggregate classification (germline): Conflicting classifications of pathogenicity. Review status: criteria provided, conflicting classifications (1 of 4 stars). 2 submissions from 2 submitters: Likely pathogenic (1); Uncertain significance (1). Last evaluated 2024-11-25.

Conditions:
Wilson disease (WND). Also called: Wilson's disease. Identifiers: Orphanet 905, MedGen C0019202, MONDO:0010200, OMIM 277900. Disease mechanism: loss of function.

Submissions (2):

Women's Health and Genetics/Laboratory Corporation of America, LabCorp
Classification: Uncertain significance. Last evaluated: 2024-11-25. Review status: criteria provided, single submitter. Criteria: LabCorp Variant Classification Summary - May 2015. Collection method: clinical testing. Allele origin: germline.
Comment: Variant summary: ATP7B c.2307G>T (p.Met769Ile) results in a conservative amino acid change in the encoded protein sequence. Four of five in-silico tools predict a damaging effect of the variant on protein function. The variant was absent in 249554 control chromosomes. c.2307G>T has been reported in the literature in individuals affected with Wilson Disease (Okada_2000, Katano_2014). These data do not allow any conclusion about variant significance. A different variant affecting the same codon has been classified as pathogenic by our lab (c.2305A>G, p.Met769Val), supporting the critical relevance of codon 769 to ATP7B protein function. To our knowledge, no experimental evidence demonstrating an impact on protein function has been reported. The following publications have been ascertained in the context of this evaluation (PMID: 25130000, 10790207). ClinVar contains an entry for this variant (Variation ID: 2679816). Based on the evidence outlined above, the variant was classified as VUS-possibly pathogenic.

Baylor Genetics
Classification: Likely pathogenic for Wilson disease. Last evaluated: 2023-03-04. Review status: criteria provided, single submitter. Criteria: ACMG Guidelines, 2015. Collection method: clinical testing. Allele origin: unknown.

Literature cited by the submitters: PubMed 10790207 (cited by Women's Health and Genetics/Laboratory Corporation of America, LabCorp); PubMed 25130000 (cited by Women's Health and Genetics/Laboratory Corporation of America, LabCorp).